The following is an entry in ClinVar:

NM_201384.3(PLEC):c.8953G>A (p.Glu2985Lys)

Gene: PLEC (plectin; minus strand). Cytogenetic location: 8q24.3.
Variant type: single nucleotide variant.
Coding change: c.8953G>A on transcript NM_201384.3 (MANE Select); coding-DNA position 8953, G replaced by A.
Protein change: p.Glu2985Lys; replaces glutamic acid 2985 with lysine.
Molecular consequence: missense variant.
Genome position (GRCh38, 1-based): chr8:143,920,868, C>T on the plus strand (G>A on the coding strand, the complement: PLEC is on the minus strand). VCF-style: chr8-143920868-C-T. GRCh37 (hg19) VCF-style: chr8-144995036-C-T.
Other names: c.9034G>A, p.Glu3012Lys (NM_000445.5); c.8911G>A, p.Glu2971Lys (NM_201378.4); c.8887G>A, p.Glu2963Lys (NM_201379.3); c.9364G>A, p.Glu3122Lys (NM_201380.4); c.8857G>A, p.Glu2953Lys (NM_201381.3); c.8953G>A, p.Glu2985Lys (NM_201382.4); c.8965G>A, p.Glu2989Lys (NM_201383.3); short protein forms E2971K, E2985K, E2953K, E2963K, E2989K, E3012K, E3122K.
Identifiers: ClinVar variation 1371474 (VCV001371474.8), dbSNP rs781868366, ClinGen allele CA4925126.
Genomic context (GRCh38, chr8:143,920,868, plus strand): 5'-GCTCACCTCGCTGCAGCTGCTGGTAGAGCTCGCGGTCGATGACCCTGCTCTCCAGCAGCT[C>T]GGCGGCTGGCACCAGGCTGCGCAGGCCCTCAAAGCAAAGCCGGCCCTTCTGCTCCTGCTC-3'
Protein context (NP_958786.1, residues 2975-2995): EGLRSLVPAA[Glu2985Lys]LLESRVIDRE

ClinVar aggregate classification (germline): Uncertain significance (1 of 4 stars; one submission).

Conditions:
Epidermolysis bullosa simplex 5C, with pyloric atresia (EBS5C). Also called: PLEC-Related Epidermolysis Bullosa with Pyloric Atresia; Epidermolysis bullosa simplex with pyloric atresia; PLEC1-Related Epidermolysis Bullosa with Pyloric Atresia. Identifiers: Orphanet 158684, MedGen C2677349, MONDO:0012807, OMIM 612138.
Epidermolysis bullosa simplex 5B, with muscular dystrophy (EBS5B). Also called: EPIDERMOLYSIS BULLOSA SIMPLEX AND LIMB-GIRDLE MUSCULAR DYSTROPHY; Epidermolysis bullosa simplex with muscular dystrophy. Identifiers: Orphanet 257, MedGen C2931072, MONDO:0009181, OMIM 226670.
Epidermolysis bullosa simplex, Ogna type (EBS5A). Also called: Pidermolysis bullosa simplex 5A, Ogna type; EPIDERMOLYSIS BULLOSA SIMPLEX 5A, OGNA TYPE. Identifiers: Orphanet 79401, MedGen C0432317, MONDO:0007555, OMIM 131950.
Autosomal recessive limb-girdle muscular dystrophy type 2Q (LGMDR17). Also called: MUSCULAR DYSTROPHY, LIMB-GIRDLE, AUTOSOMAL RECESSIVE 17. Identifiers: Orphanet 254361, MedGen C3150989, MONDO:0013390, OMIM 613723.
Epidermolysis bullosa simplex with nail dystrophy (EBS5D). Identifiers: MedGen C4225309, MONDO:0014661, OMIM 616487.

Allele frequency attached by ClinVar (database versions not stated): gnomAD exomes 0.00001 and 0.00003; ExAC 0.00002; gnomAD 0.00002; TOPMed 0.00002.
gnomAD v4.1: 49 of 1,610,274 alleles (0.003%); highest among the groups gnomAD compares: Non-Finnish European, 0.0037%; no homozygotes.

Submission:

Labcorp Genetics (formerly Invitae), Labcorp
Classification: Uncertain significance for Autosomal recessive limb-girdle muscular dystrophy type 2Q; Epidermolysis bullosa simplex, Ogna type; Epidermolysis bullosa simplex with nail dystrophy; Epidermolysis bullosa simplex 5C, with pyloric atresia; Epidermolysis bullosa simplex 5B, with muscular dystrophy. Last evaluated: 2023-01-13. Review status: criteria provided, single submitter. Criteria: Invitae Variant Classification Sherloc (09022015). Collection method: clinical testing. Allele origin: germline.
Comment: This variant is present in population databases (rs781868366, gnomAD 0.002%). This sequence change replaces glutamic acid, which is acidic and polar, with lysine, which is basic and polar, at codon 3012 of the PLEC protein (p.Glu3012Lys). Advanced modeling of protein sequence and biophysical properties (such as structural, functional, and spatial information, amino acid conservation, physicochemical variation, residue mobility, and thermodynamic stability) performed at Invitae indicates that this missense variant is not expected to disrupt PLEC protein function. In summary, the available evidence is currently insufficient to determine the role of this variant in disease. Therefore, it has been classified as a Variant of Uncertain Significance. ClinVar contains an entry for this variant (Variation ID: 1371474). This variant has not been reported in the literature in individuals affected with PLEC-related conditions.